The following is an entry in ClinVar:

ClinVar aggregate classification (germline): Pathogenic. Review status: criteria provided, multiple submitters, no conflicts (2 of 4 stars). 4 submissions from 4 submitters: Pathogenic (2). 2 of the submissions do not count toward it. Last evaluated 2025-08-01.
ClinVar aggregate classification (somatic clinical impact): Tier II - Potential. Review status: criteria provided, multiple submitters. 2 submissions from 2 submitters. 1 of the submissions does not count toward it. Last evaluated 2023-03-07.
ClinVar aggregate classification (oncogenicity): Oncogenic (1 of 4 stars; one submission).

Conditions:
PIK3CA related overgrowth syndrome. Also called: PIK3CA-Related Segmental Overgrowth; PIK3CA related overgrowth spectrum. Identifiers: Orphanet 530313, MedGen C4728213, MONDO:1040002.
Ovarian neoplasm. Also called: Neoplasm of ovary; Ovarian Neoplasms; Ovarian tumor. Identifiers: MedGen C0919267, MeSH D010051, MONDO:0021068, HP:0100615.
Hepatocellular carcinoma (HCC). Also called: Primary carcinoma of liver; HEPATOMA; LIVER CELL CARCINOMA. Identifiers: Orphanet 88673, MedGen C2239176, MONDO:0007256, OMIM 114550, HP:0001402.
Abnormal cardiovascular system morphology. Also called: Abnormality of cardiovascular system morphology. Identifiers: MedGen C4049796, HP:0030680.
Dysembryoplastic neuroepithelial tumor. Identifiers: Orphanet 251946, MedGen C1266177, MONDO:0005505, HP:0033703.
Primary central nervous system lymphoma. Identifiers: Orphanet 46135, MedGen C0280803, MONDO:0002571, HP:0030069.
Neoplasm. Also called: tumor; Neoplasms; Neoplasm (disease). Identifiers: MedGen C0027651, MeSH D009369, MONDO:0005070, HP:0002664.

Submissions (7):

Center for Genomic Medicine, Rigshospitalet, Copenhagen University Hospital
Classification: Oncogenic for Neoplasm. Last evaluated: 2025-12-29. Review status: criteria provided, single submitter. Criteria: ClinGen/CGC/VICC Guidelines for Oncogenicity, 2022. Collection method: clinical testing. Allele origin: somatic. Affected: yes.

Clinical Genomics Laboratory, Washington University in St. Louis
Classification: Pathogenic for PIK3CA-related overgrowth syndrome. Last evaluated: 2025-08-01. Review status: criteria provided, single submitter. Criteria: Leon-Quintero et al. (Clin Genet. 2025). Collection method: clinical testing. Allele origin: somatic.
Comment: A PIK3CA c.1634A>C (p.Glu545Ala) variant was identified at an allelic fraction consistent with somatic origin. This variant has been reported in individuals with lymphatic malformation, angiolipoma and Cowden-like syndrome (Orloff MS et al., PMID: 23246288; Osborn AJ et al., PMID: 25292196; Saggini A et al., PMID: 32662895) and in numerous individuals with cancer (Castaneda CA et al., PMID: 25467032; Fantappiè G et al., PMID: 32796408; Kommineni N et al., PMID: 25563369; Kwon MJ et al., PMID: 26054797; Liang X et al., PMID: 16582596; Zhu YF et al., PMID: 22851869). The PIK3CA c.1634A>C (p.Glu545Ala) has been reported in the ClinVar database as a germline pathogenic variant by a single submitter (ClinVar Variation ID: 13659). This variant is absent from the general population (gnomAD v4.1.0), indicating it is not a common variant. This variant resides within the helical domain of the p110α catalytic subunit of PIK3CA and constitutes a mutation hotspot (Gymnopoulos M et al., PMID: 17376864; Keppler-Noreuil KM et al., PMID: 25557259; Madsen R et al., PMID: 30197175). Computational predictors indicate that this variant is damaging, evidence that correlates with impact on PIK3CA function. In support of this prediction, functional in vitro and patient-derived cell studies show that this lysine substitution at codon 545 leads to autonomous phosphorylation of AKT and activation of the downstream AKT-mTOR signaling (Gymnopoulos M et al., PMID: 17376864). Additionally, the PIK3CA gene is defined by the ClinGen Brain Malformations expert panel as a gene that has a low rate of benign missense variation and where pathogenic missense variants are a common mechanism of disease (Lai A et al., PMID: 35997716). Other variants in the same codon, c.1635G>T (p.Glu545Asp), c.1634A>G (p.Glu545Gly), c.1633G>C (p.Glu545Gln), and c.1633G>A (p.Glu545Lys) have been reported in individuals with PROS disorders and cancers and are considered pathogenic/ likely pathogenic (Luks VL et al., PMID: 25681199; McNulty SN et al., PMID: 31585106; Mirzaa G et al., PMID: 27631024; Mojarad BA et al., PMID: 39669231; Mori R et al., PMID: 18262558; Serio VB et al., PMID: 37662840; Vahidnezhad H et al., PMID: 27037860; Wakuda K et al., PMID: 24657128; Wang WF et al., PMID: 24241346; ClinVar Variation IDs: 217293, 13656, 375896, 13655). A large number of PI3K/AKT pathway inhibitors are currently under clinical study in both PROS disorders and cancer (Jin N et al., PMID: 34779417; Parker VER et al., PMID: 30270358; Venot Q et al., PMID: 29899452). Based on an internally developed protocol informed by the ACMG/AMP guidelines for variant interpretation and gene-specific practices from the ClinGen Criteria Specification Registry (Leon-Quintero FZ et al., PMID: 39434542), the PIK3CA c.1634A>C (p.Glu545Ala) variant is classified as pathogenic.

Institute for Genomic Medicine (IGM) Clinical Laboratory, Nationwide Children's Hospital
Classification: Tier II - Potential for Dysembryoplastic neuroepithelial tumor. Assertion type: diagnostic. Clinical significance: supports diagnosis. Last evaluated: 2023-03-07. Review status: criteria provided, single submitter. Criteria: AMP/ASCO/CAP Guidelines, 2017. Collection method: clinical testing. Allele origin: somatic. Affected: yes.
Comment: Variant has Tier II (potential) clinical significance as a diagnostic inclusion criterion in dysembryoplastic neuroepithelial tumor, based on the following evidence: 1) Documented in one or more cancer databases (e.g., St. Jude Pecan, COSMIC, CIViC, OncoKB). 2) Information in the literature supports potential biologic effect of variant (PMIDs: 17376864, 26627007). 3) Assists in diagnosis alone or along with other biomarkers based on small studies or few case reports (Evidence Level D; PMIDs: 28131206, 31617914).

Laboratory for Molecular Medicine, Mass General Brigham Personalized Medicine
Classification: Pathogenic for Ovarian Cancer. Last evaluated: 2010-12-23. Review status: criteria provided, single submitter. Criteria: LMM Criteria. Collection method: clinical testing. Allele origin: somatic. Observed: 1 variant allele.

National Institute of Cancer Research, National Health Research Institutes
Classification: Tier III - Unknown for Primary central nervous system lymphoma. Review status: criteria provided, single submitter. Criteria: AMP/ASCO/CAP Guidelines, 2017. Collection method: clinical testing. Allele origin: somatic. Affected: yes. Not counted in ClinVar's aggregate classification.

OMIM
Classification: Pathogenic for HEPATOCELLULAR CARCINOMA, SOMATIC. Last evaluated: 2005-02-17. Review status: no assertion criteria provided. Collection method: literature only. Allele origin: somatic. Not counted in ClinVar's aggregate classification.

MAGI's Lab - Research, MAGI Group
Classification: Pathogenic for Abnormal cardiovascular system morphology. Review status: no assertion criteria provided. Collection method: provider interpretation. Allele origin: somatic. Affected: yes. Not counted in ClinVar's aggregate classification.

Literature cited by the submitters: PubMed 17376864 (cited by Center for Genomic Medicine, Rigshospitalet, Copenhagen University Hospital and Institute for Genomic Medicine (IGM) Clinical Laboratory, Nationwide Children's Hospital); PubMed 26627007 (cited by Institute for Genomic Medicine (IGM) Clinical Laboratory, Nationwide Children's Hospital); PubMed 28131206 (cited by Institute for Genomic Medicine (IGM) Clinical Laboratory, Nationwide Children's Hospital); PubMed 31617914 (cited by Institute for Genomic Medicine (IGM) Clinical Laboratory, Nationwide Children's Hospital); PubMed 15608678 (cited by OMIM).

NM_006218.4(PIK3CA):c.1634A>C (p.Glu545Ala)

Gene: PIK3CA (phosphatidylinositol-4,5-bisphosphate 3-kinase catalytic subunit alpha; plus strand). Cytogenetic location: 3q26.32.
Variant type: single nucleotide variant.
Coding change: c.1634A>C on transcript NM_006218.4 (MANE Select); coding-DNA position 1634, A replaced by C.
Protein change: p.Glu545Ala; replaces glutamic acid 545 with alanine.
Molecular consequence: missense variant.
Genome position (GRCh38, 1-based): chr3:179,218,304, A>C. VCF-style: chr3-179218304-A-C. GRCh37 (hg19) VCF-style: chr3-178936092-A-C.
Other names: short protein forms E545A.
Identifiers: ClinVar variation 13659 (VCV000013659.11), dbSNP rs121913274, ClinGen allele CA123342.